The following is an entry in ClinVar:

ClinVar aggregate classification (germline): Uncertain significance (1 of 4 stars; one submission).

Allele frequency attached by ClinVar (database versions not stated): gnomAD exomes 0.00001; TOPMed below 0.00001; ExAC 0.00001; gnomAD 0.00001.
gnomAD v4.1: 21 of 1,613,596 alleles (0.0013%); highest among the groups gnomAD compares: Non-Finnish European, 0.0018%; no homozygotes.

Submission:

Labcorp Genetics (formerly Invitae), Labcorp
Classification: Uncertain significance. Last evaluated: 2024-07-26. Review status: criteria provided, single submitter. Criteria: Invitae Variant Classification Sherloc (09022015). Collection method: clinical testing. Allele origin: germline.
Comment: This sequence change replaces glycine, which is neutral and non-polar, with serine, which is neutral and polar, at codon 718 of the CYFIP2 protein (p.Gly718Ser). This variant is present in population databases (rs750788982, gnomAD 0.002%). This variant has not been reported in the literature in individuals affected with CYFIP2-related conditions. ClinVar contains an entry for this variant (Variation ID: 2073120). Experimental studies and prediction algorithms are not available or were not evaluated, and the functional significance of this variant is currently unknown. In summary, the available evidence is currently insufficient to determine the role of this variant in disease. Therefore, it has been classified as a Variant of Uncertain Significance.

NM_001037333.3(CYFIP2):c.2152G>A (p.Gly718Ser)

Gene: CYFIP2 (cytoplasmic FMR1 interacting protein 2; plus strand). Cytogenetic location: 5q33.3.
Variant type: single nucleotide variant.
Coding change: c.2152G>A on transcript NM_001037333.3 (MANE Select); coding-DNA position 2152, G replaced by A.
Protein change: p.Gly718Ser; replaces glycine 718 with serine.
Molecular consequence: missense variant.
Genome position (GRCh38, 1-based): chr5:157,328,045, G>A. VCF-style: chr5-157328045-G-A. GRCh37 (hg19) VCF-style: chr5-156755053-G-A.
Other names: c.2074G>A, p.Gly692Ser (NM_001291721.2); c.2227G>A, p.Gly743Ser (NM_001291722.2); c.2152G>A, p.Gly718Ser (NM_014376.4); short protein forms G692S, G743S, G718S.
Identifiers: ClinVar variation 2073120 (VCV002073120.4), dbSNP rs750788982, ClinGen allele CA3533768.